The following is an entry in ClinVar:

CYP2D6*17

Variant type: Haplotype.
Identifiers: ClinVar variation 830235 (VCV000830235.4).

ClinVar aggregate classification (germline): drug response. Review status: criteria provided, single submitter (1 of 4 stars). 2 submissions from 1 submitter: drug response (2). Last evaluated 2019-05-01.

Conditions:
Tamoxifen response. Also called: Nolvadex response. Identifiers: MedGen CN078013.
Deutetrabenazine response. Also called: Austedo response. Identifiers: MedGen CN258189.

Submissions (2):

Medical Genetics Summaries
Classification: drug response for Deutetrabenazine response. Last evaluated: 2019-05-01. Review status: criteria provided, single submitter. Criteria: Deutetrabenazine Therapy and CYP2D6 Genotype. Collection method: curation. Allele origin: germline.
Comment: CYP2D6*17 has decreased function: individuals with one decreased function and one no function allele (e.g., *4/*17) are intermediate metabolizers; individuals with two decreased function alleles (e.g. *17/*17) are normal metabolizers or intermediate metabolizers (controversy remains). Therapeutic recommendations from professional societies state that the maximum dose of deutetrabenazine should not exceed 36 mg per day in individuals with 2 decreased function alleles (CYP2D6 poor metabolizers) to avoid abnormally high plasma levels due to reduced metabolic clearance.

Medical Genetics Summaries
Classification: drug response for Tamoxifen response. Last evaluated: 2019-05-01. Review status: criteria provided, single submitter. Criteria: Tamoxifen Therapy and CYP2D6 Genotype. Collection method: curation. Allele origin: germline.
Comment: CYP2D6*17 has decreased function: individuals with one decreased function and one no function allele (e.g., *4/*17) are intermediate metabolizers; individuals with two decreased function alleles (e.g. *17/*17) are normal metabolizers or intermediate metabolizers (controversy remains). Therapeutic recommendations from professional societies state that intermediate metabolizers may benefit less from tamoxifen therapy because they have lower concentrations of tamoxifen's major active metabolite, endoxifin, compared with normal metabolizers.

Literature cited by the submitters: PubMed 27380339; PubMed 27380342; PubMed 27819145; PubMed 29497277; PubMed 28265459; PubMed 29449008; PubMed 29385237; PubMed 21814747; PubMed 15159443; PubMed 24697814; PubMed 28955222; PubMed 29459457; PubMed 29801584; PubMed 27883289; PubMed 28592184; PubMed 27249031; PubMed 27060675; PubMed 27551126; PubMed 27226358; PubMed 29183390; PubMed 28762370; PubMed 23872831; PubMed 24033728; PubMed 29135105; PubMed 28730340; PubMed 22395644; PubMed 22395643; PubMed 27988492; PubMed 30676859; PubMed 17761971; PubMed 25091503; PubMed 24329190; PubMed 24060820; PubMed 27797974; PubMed 19809024.